The following is an entry in ClinVar:

ClinVar aggregate classification (germline): Pathogenic (1 of 4 stars; one submission).

Conditions:
Von Hippel-Lindau syndrome (VHLS). Also called: Von Hippel-Lindau; von Hippel–Lindau syndrome; VHL syndrome. Identifiers: Orphanet 892, MedGen C0019562, MONDO:0008667, OMIM 193300. Disease mechanism: loss of function.
Chuvash polycythemia. Also called: POLYCYTHEMIA, VHL-DEPENDENT. Identifiers: Orphanet 238557, MedGen C1837915, MONDO:0009892, OMIM 263400.

Submission:

Labcorp Genetics (formerly Invitae), Labcorp
Classification: Pathogenic for Von Hippel-Lindau syndrome; Chuvash polycythemia. Last evaluated: 2022-01-16. Review status: criteria provided, single submitter. Criteria: Invitae Variant Classification Sherloc (09022015). Collection method: clinical testing. Allele origin: germline.
Comment: This variant is not present in population databases (gnomAD no frequency). This variant has not been reported in the literature in individuals affected with VHL-related conditions. For these reasons, this variant has been classified as Pathogenic. This sequence change creates a premature translational stop signal (p.Val62Cysfs*5) in the VHL gene. It is expected to result in an absent or disrupted protein product. Loss-of-function variants in VHL are known to be pathogenic (PMID: 8956040, 12202531, 29891534, 31350093).

Literature cited by the submitters: PubMed 8956040; PubMed 12202531; PubMed 29891534; PubMed 31350093.

NM_000551.4(VHL):c.184del (p.Val62fs)

Gene: VHL (von Hippel-Lindau tumor suppressor; plus strand). Cytogenetic location: 3p25.3.
Variant type: Deletion.
Coding change: c.184del on transcript NM_000551.4 (MANE Select); coding-DNA position 184, one base deleted (G; older notation c.184delG).
Protein change: p.Val62fs; shifts the reading frame from valine 62.
Molecular consequence: frameshift variant.
Genome position (GRCh38, 1-based): chr3:10,142,031, G deleted. VCF-style (leftmost placement, unchanged base first): chr3-10142030-CG-C. GRCh37 (hg19) VCF-style: chr3-10183714-CG-C.
Other names: c.184del, p.Val62fs (NM_001354723.2, NM_198156.3); short protein forms V62fs.
Identifiers: ClinVar variation 2085211 (VCV002085211.4), dbSNP rs2470157974, ClinGen allele CA432536383.